The following is an entry in ClinVar:

NM_006757.4(TNNT3):c.83-6T>A

Gene: TNNT3 (troponin T3, fast skeletal type; plus strand). Cytogenetic location: 11p15.5.
Variant type: single nucleotide variant.
Coding change: c.83-6T>A on transcript NM_006757.4 (MANE Select); 6 bases into the intron before coding-DNA position 83, T replaced by A.
Molecular consequence: intron variant.
Genome position (GRCh38, 1-based): chr11:1,929,114, T>A. VCF-style: chr11-1929114-T-A. GRCh37 (hg19) VCF-style: chr11-1950344-T-A.
Other names: c.83-696T>A (NM_001297646.2, NM_001042780.3, NM_001042782.3 and 2 more transcripts); c.116-6T>A (NM_001367846.1); c.116-696T>A (NM_001363561.2, NM_001367847.1); c.101-696T>A (NM_001042781.3, NM_001367843.1, NM_001367842.1); c.104-696T>A (NM_001367848.1); c.50-696T>A (NM_001367850.1); c.-98-696T>A (NM_001367851.1, NM_001367852.1); c.71-6T>A (NM_001367849.1).
Identifiers: ClinVar variation 1380609 (VCV001380609.8), dbSNP rs2133365727, ClinGen allele CA2573146026.

ClinVar aggregate classification (germline): Uncertain significance (1 of 4 stars; one submission).

Submission:

Labcorp Genetics (formerly Invitae), Labcorp
Classification: Uncertain significance. Last evaluated: 2022-06-20. Review status: criteria provided, single submitter. Criteria: Invitae Variant Classification Sherloc (09022015). Collection method: clinical testing. Allele origin: germline.
Comment: In summary, the available evidence is currently insufficient to determine the role of this variant in disease. Therefore, it has been classified as a Variant of Uncertain Significance. Algorithms developed to predict the effect of sequence changes on RNA splicing suggest that this variant may disrupt the consensus splice site. This variant has not been reported in the literature in individuals affected with TNNT3-related conditions. This variant is not present in population databases (gnomAD no frequency). This sequence change falls in intron 6 of the TNNT3 gene. It does not directly change the encoded amino acid sequence of the TNNT3 protein.